The following is an entry in ClinVar:

ClinVar aggregate classification (germline): Uncertain significance. Review status: criteria provided, multiple submitters, no conflicts (2 of 4 stars). 2 submissions from 2 submitters: Uncertain significance (2). Last evaluated 2022-08-03.

Allele frequency attached by ClinVar (database versions not stated): TOPMed below 0.00001; ExAC 0.00001; gnomAD 0.00001; gnomAD exomes 0.00001.
gnomAD v4.1: 14 of 1,613,764 alleles (0.00087%); highest among the groups gnomAD compares: South Asian, 0.0099%; no homozygotes.

Submissions (2):

Labcorp Genetics (formerly Invitae), Labcorp
Classification: Uncertain significance. Last evaluated: 2022-08-03. Review status: criteria provided, single submitter. Criteria: Invitae Variant Classification Sherloc (09022015). Collection method: clinical testing. Allele origin: germline.
Comment: Algorithms developed to predict the effect of missense changes on protein structure and function (SIFT, PolyPhen-2, Align-GVGD) all suggest that this variant is likely to be tolerated. This variant has not been reported in the literature in individuals affected with TTLL5-related conditions. This variant is present in population databases (rs775807003, gnomAD 0.003%). This sequence change replaces threonine, which is neutral and polar, with alanine, which is neutral and non-polar, at codon 488 of the TTLL5 protein (p.Thr488Ala). In summary, the available evidence is currently insufficient to determine the role of this variant in disease. Therefore, it has been classified as a Variant of Uncertain Significance.

Blueprint Genetics
Classification: Uncertain significance. Last evaluated: 2021-06-24. Review status: criteria provided, single submitter. Criteria: ACMG Guidelines, 2015. Collection method: clinical testing. Allele origin: germline.

NM_015072.5(TTLL5):c.1462A>G (p.Thr488Ala)

Gene: TTLL5 (tubulin tyrosine ligase like 5; plus strand). Cytogenetic location: 14q24.3.
Variant type: single nucleotide variant.
Coding change: c.1462A>G on transcript NM_015072.5 (MANE Select); coding-DNA position 1462, A replaced by G.
Protein change: p.Thr488Ala; replaces threonine 488 with alanine.
Molecular consequence: missense variant.
Genome position (GRCh38, 1-based): chr14:75,745,556, A>G. VCF-style: chr14-75745556-A-G. GRCh37 (hg19) VCF-style: chr14-76211899-A-G.
Other names: short protein forms T488A.
Identifiers: ClinVar variation 2009419 (VCV002009419.5), dbSNP rs775807003, ClinGen allele CA7279396.